The following is an entry in ClinVar:

NM_006904.7(PRKDC):c.163A>C (p.Thr55Pro)

Gene: PRKDC (protein kinase, DNA-activated, catalytic subunit; minus strand). Cytogenetic location: 8q11.21.
Variant type: single nucleotide variant.
Coding change: c.163A>C on transcript NM_006904.7 (MANE Select); coding-DNA position 163, A replaced by C.
Protein change: p.Thr55Pro; replaces threonine 55 with proline.
Molecular consequence: missense variant.
Genome position (GRCh38, 1-based): chr8:47,957,423, T>G on the plus strand (A>C on the coding strand, the complement: PRKDC is on the minus strand). VCF-style: chr8-47957423-T-G. GRCh37 (hg19) VCF-style: chr8-48869983-T-G.
Other names: c.163A>C, p.Thr55Pro (NM_001081640.2); short protein forms T55P.
Identifiers: ClinVar variation 3714279 (VCV003714279.2).

ClinVar aggregate classification (germline): Uncertain significance (1 of 4 stars; one submission).

Conditions:
Severe combined immunodeficiency due to DNA-PKcs deficiency. Also called: IMMUNODEFICIENCY 26 WITH NEUROLOGIC ABNORMALITIES; Immunodeficiency 26 with or without neurologic abnormalities. Identifiers: Orphanet 317425, MedGen C4014833, MONDO:0014423, OMIM 615966.

Submission:

Labcorp Genetics (formerly Invitae), Labcorp
Classification: Uncertain significance for Severe combined immunodeficiency due to DNA-PKcs deficiency. Last evaluated: 2024-11-24. Review status: criteria provided, single submitter. Criteria: Invitae Variant Classification Sherloc (09022015). Collection method: clinical testing. Allele origin: germline.
Comment: This sequence change replaces threonine, which is neutral and polar, with proline, which is neutral and non-polar, at codon 55 of the PRKDC protein (p.Thr55Pro). This variant is not present in population databases (gnomAD no frequency). This variant has not been reported in the literature in individuals affected with PRKDC-related conditions. Invitae Evidence Modeling of protein sequence and biophysical properties (such as structural, functional, and spatial information, amino acid conservation, physicochemical variation, residue mobility, and thermodynamic stability) indicates that this missense variant is expected to disrupt PRKDC protein function with a positive predictive value of 80%. In summary, the available evidence is currently insufficient to determine the role of this variant in disease. Therefore, it has been classified as a Variant of Uncertain Significance.